The following is an entry in ClinVar:

NM_000245.4(MET):c.2598C>A (p.Asp866Glu)

Gene: MET (MET proto-oncogene, receptor tyrosine kinase; plus strand). Cytogenetic location: 7q31.2.
Variant type: single nucleotide variant.
Coding change: c.2598C>A on transcript NM_000245.4 (MANE Select); coding-DNA position 2598, C replaced by A.
Protein change: p.Asp866Glu; replaces aspartic acid 866 with glutamic acid.
Molecular consequence: missense variant.
Genome position (GRCh38, 1-based): chr7:116,769,659, C>A. VCF-style: chr7-116769659-C-A. GRCh37 (hg19) VCF-style: chr7-116409713-C-A.
Other names: c.2652C>A, p.Asp884Glu (NM_001127500.3); c.2598C>A, p.Asp866Glu (NM_001324401.3); c.1308C>A, p.Asp436Glu (NM_001324402.2); short protein forms D866E, D436E, D884E.
Identifiers: ClinVar variation 4106750 (VCV004106750.1).

ClinVar aggregate classification (germline): Uncertain significance (1 of 4 stars; one submission).

Conditions:
Hereditary cancer-predisposing syndrome. Also called: Tumor predisposition; Neoplastic Syndromes, Hereditary; Hereditary neoplastic syndrome; Hereditary Cancer Syndrome. Identifiers: Orphanet 140162, MedGen C0027672, MeSH D009386, MONDO:0015356.

Submission:

Ambry Genetics
Classification: Uncertain significance for Hereditary cancer-predisposing syndrome. Last evaluated: 2025-07-03. Review status: criteria provided, single submitter. Criteria: Ambry Variant Classification Scheme 2023. Collection method: clinical testing. Allele origin: germline.
Comment: The p.D884E variant (also known as c.2652C>A), located in coding exon 11 of the MET gene, results from a C to A substitution at nucleotide position 2652. The aspartic acid at codon 884 is replaced by glutamic acid, an amino acid with highly similar properties. This amino acid position is conserved. In addition, the in silico prediction for this alteration is inconclusive. Based on the available evidence, the clinical significance of this variant remains unclear.